The following is an entry in ClinVar:

NM_001134831.2(AHI1):c.1531G>A (p.Val511Ile)

Gene: AHI1 (Abelson helper integration site 1; minus strand). Cytogenetic location: 6q23.3.
Variant type: single nucleotide variant.
Coding change: c.1531G>A on transcript NM_001134831.2 (MANE Select); coding-DNA position 1531, G replaced by A.
Protein change: p.Val511Ile; replaces valine 511 with isoleucine.
Molecular consequence: missense variant.
Genome position (GRCh38, 1-based): chr6:135,448,385, C>T on the plus strand (G>A on the coding strand, the complement: AHI1 is on the minus strand). VCF-style: chr6-135448385-C-T. GRCh37 (hg19) VCF-style: chr6-135769523-C-T.
Other names: c.1531G>A, p.Val511Ile (NM_001134830.2, NM_001134832.2, NM_001350503.2 and 2 more transcripts); short protein forms V511I.
Identifiers: ClinVar variation 1723614 (VCV001723614.3), dbSNP rs757891165, ClinGen allele CA4012571.
Genomic context (GRCh38, chr6:135,448,385, plus strand): 5'-ACAGTGTTGATGGGTAATGATTTCTTGGACATTTTGACCACCATTCAAATGCCTCAACAA[C>T]ACTTAATGGGGATCGAGGCTTAGTAGGTGGGTAATATAGCTGCAAGCGAAGTTTTGAGTT-3'
Protein context (NP_001128303.1, residues 501-521): PPTKPRSPLS[Val511Ile]VEAFEWWSKC

ClinVar aggregate classification (germline): Uncertain significance. Review status: criteria provided, multiple submitters, no conflicts (2 of 4 stars). 2 submissions from 2 submitters: Uncertain significance (2). Last evaluated 2025-08-14.

Conditions:
Inborn genetic diseases. Identifiers: MedGen C0950123, MeSH D030342.

Allele frequency attached by ClinVar (database versions not stated): ExAC 0.00001; TOPMed 0.00002.
gnomAD v4.1: 7 of 1,609,406 alleles (0.00043%); highest among the groups gnomAD compares: Admixed American, 0.005%; no homozygotes.

Submissions (2):

Ambry Genetics
Classification: Uncertain significance for Inborn genetic diseases. Last evaluated: 2025-08-14. Review status: criteria provided, single submitter. Criteria: Ambry Variant Classification Scheme 2023. Collection method: clinical testing. Allele origin: germline.

GeneDx
Classification: Uncertain significance. Last evaluated: 2022-05-09. Review status: criteria provided, single submitter. Criteria: GeneDx Variant Classification Process June 2021. Collection method: clinical testing. Allele origin: germline. Affected: yes.
Comment: Not observed at significant frequency in large population cohorts (gnomAD); In silico analysis supports that this missense variant does not alter protein structure/function; Has not been previously published as pathogenic or benign to our knowledge